The following is an entry in ClinVar:

NM_000059.4(BRCA2):c.6813A>T (p.Lys2271Asn)

Gene: BRCA2 (BRCA2 DNA repair associated; plus strand). Cytogenetic location: 13q13.1.
Variant type: single nucleotide variant.
Coding change: c.6813A>T on transcript NM_000059.4 (MANE Select); coding-DNA position 6813, A replaced by T.
Protein change: p.Lys2271Asn; replaces lysine 2271 with asparagine.
Molecular consequence: missense variant.
Genome position (GRCh38, 1-based): chr13:32,341,168, A>T. VCF-style: chr13-32341168-A-T. GRCh37 (hg19) VCF-style: chr13-32915305-A-T.
Other names: c.6813A>T, p.Lys2271Asn (NM_001406719.1, NM_001406720.1); short protein forms K2271N.
Identifiers: ClinVar variation 1755587 (VCV001755587.4), dbSNP rs2548534132, ClinGen allele CA387791402.

ClinVar aggregate classification (germline): Conflicting classifications of pathogenicity. Review status: criteria provided, conflicting classifications (1 of 4 stars). 2 submissions from 2 submitters: Uncertain significance (1); Likely benign (1). Last evaluated 2023-03-23.

Conditions:
Hereditary cancer-predisposing syndrome. Also called: Neoplastic Syndromes, Hereditary; Tumor predisposition; Hereditary Cancer Syndrome; Hereditary neoplastic syndrome. Identifiers: Orphanet 140162, MedGen C0027672, MeSH D009386, MONDO:0015356.

Submissions (2):

University of Washington Department of Laboratory Medicine, University of Washington
Classification: Likely benign for Hereditary cancer-predisposing syndrome. Last evaluated: 2023-03-23. Review status: criteria provided, single submitter. Criteria: Dines et al. (Genet Med. 2020). Collection method: curation. Allele origin: germline.
Comment: Missense variant in a coldspot region where missense variants are very unlikely to be pathogenic (PMID:31911673).

BRCA2 exon 11 coldspot. Reclassification based on statistical prior probability.

Ambry Genetics
Classification: Uncertain significance for Hereditary cancer-predisposing syndrome. Last evaluated: 2021-09-03. Review status: criteria provided, single submitter. Criteria: Ambry Variant Classification Scheme 2023. Collection method: clinical testing. Allele origin: germline.
Comment: The p.K2271N variant (also known as c.6813A>T), located in coding exon 10 of the BRCA2 gene, results from an A to T substitution at nucleotide position 6813. The lysine at codon 2271 is replaced by asparagine, an amino acid with similar properties. This amino acid position is highly conserved in available vertebrate species. In addition, the in silico prediction for this alteration is inconclusive. Since supporting evidence is limited at this time, the clinical significance of this alteration remains unclear.